The following is an entry in ClinVar:

ClinVar aggregate classification (germline): Benign/Likely benign. Review status: criteria provided, multiple submitters, no conflicts (2 of 4 stars). 7 submissions from 7 submitters: Benign (2); Likely benign (4). 1 of the submissions does not count toward it. Last evaluated 2025-12-21.

Conditions:
Rubinstein-Taybi syndrome due to CREBBP mutations (RSTS1). Also called: Rubinstein-Taybi syndrome 1; RUBINSTEIN SYNDROME; BROAD THUMBS AND GREAT TOES, CHARACTERISTIC FACIES, AND IMPAIRED INTELLECTUAL DEVELOPMENT; RUBINSTEIN-TAYBI SYNDROME 1, INCOMPLETE; BROAD THUMB-HALLUX SYNDROME; CREBBP-Related Rubinstein-Taybi Syndrome. Identifiers: Orphanet 353277, Orphanet 783, MedGen C4551859, MONDO:0008393, OMIM 180849.
Menke-Hennekam syndrome 1 (MKHK1). Identifiers: MedGen C5193034, MONDO:0020763, OMIM 618332.
Inborn genetic diseases. Identifiers: MedGen C0950123, MeSH D030342.
CREBBP-related disorder. Also called: CREBBP-related disorders; CREBBP-related condition.
Rubinstein-Taybi syndrome (RSTS). Identifiers: Orphanet 783, MedGen C0035934, MONDO:0019188.

Allele frequency attached by ClinVar (database versions not stated): gnomAD 0.00001 and 0.00011; TOPMed 0.00003; ESP Exome Variant Server 0.00008; gnomAD exomes 0.00050; ExAC 0.00063; 1000 Genomes Project 30x 0.00094; 1000 Genomes Project 0.00100.
gnomAD v4.1: 445 of 1,608,030 alleles (0.028%); highest among the groups gnomAD compares: South Asian, 0.43%; 2 homozygotes.

Submissions (7):

Labcorp Genetics (formerly Invitae), Labcorp
Classification: Benign for Rubinstein-Taybi syndrome. Last evaluated: 2025-12-21. Review status: criteria provided, single submitter. Criteria: Invitae Variant Classification Sherloc (09022015). Collection method: clinical testing. Allele origin: germline.

CeGaT Center for Human Genetics Tuebingen
Classification: Likely benign. Last evaluated: 2025-11-01. Review status: criteria provided, single submitter. Criteria: CeGaT Center For Human Genetics Tuebingen Variant Classification Criteria Version 2. Collection method: clinical testing. Allele origin: germline. Affected: yes. Observed: 3 variant alleles.
Comment: CREBBP: BP4, BP7

Blueprint Genetics
Classification: Likely benign. Last evaluated: 2024-04-18. Review status: criteria provided, single submitter. Criteria: ACMG Guidelines, 2015. Collection method: clinical testing. Allele origin: germline.

Fulgent Genetics
Classification: Likely benign for Rubinstein-Taybi syndrome due to CREBBP mutations; Menke-Hennekam syndrome 1. Last evaluated: 2021-07-30. Review status: criteria provided, single submitter. Criteria: ACMG Guidelines, 2015. Collection method: clinical testing. Allele origin: unknown.

GeneDx
Classification: Benign. Last evaluated: 2020-04-13. Review status: criteria provided, single submitter. Criteria: GeneDx Variant Classification Process June 2021. Collection method: clinical testing. Allele origin: germline. Affected: yes.

Ambry Genetics
Classification: Likely benign for Inborn genetic diseases. Last evaluated: 2017-01-09. Review status: criteria provided, single submitter. Criteria: Ambry Variant Classification Scheme 2023. Collection method: clinical testing. Allele origin: germline.

PreventionGenetics, part of Exact Sciences
Classification: Likely benign for CREBBP-related condition. Last evaluated: 2023-03-26. Review status: no assertion criteria provided. Collection method: clinical testing. Allele origin: germline. Not counted in ClinVar's aggregate classification.
Comment: This variant is classified as likely benign based on ACMG/AMP sequence variant interpretation guidelines (Richards et al. 2015 PMID: 25741868, with internal and published modifications).

NM_004380.3(CREBBP):c.6684C>T (p.His2228=)

Gene: CREBBP (CREB binding lysine acetyltransferase; minus strand). Cytogenetic location: 16p13.3.
Variant type: single nucleotide variant.
Coding change: c.6684C>T on transcript NM_004380.3 (MANE Select); coding-DNA position 6684, C replaced by T.
Protein change: p.His2228=; no amino-acid change (histidine 2228 retained).
Molecular consequence: synonymous variant.
Genome position (GRCh38, 1-based): chr16:3,728,363, G>A on the plus strand (C>T on the coding strand, the complement: CREBBP is on the minus strand). VCF-style: chr16-3728363-G-A. GRCh37 (hg19) VCF-style: chr16-3778364-G-A.
Other names: c.6570C>T, p.His2190= (NM_001079846.1).
Identifiers: ClinVar variation 588642 (VCV000588642.38), dbSNP rs138613594, ClinGen allele CA7869026.